The following is an entry in ClinVar:

NM_021008.4(DEAF1):c.1572C>G (p.Cys524Trp)

Gene: DEAF1 (DEAF1 transcription factor; minus strand). Cytogenetic location: 11p15.5.
Variant type: single nucleotide variant.
Coding change: c.1572C>G on transcript NM_021008.4 (MANE Select); coding-DNA position 1572, C replaced by G.
Protein change: p.Cys524Trp; replaces cysteine 524 with tryptophan.
Molecular consequence: missense variant.
Genome position (GRCh38, 1-based): chr11:653,983, G>C on the plus strand (C>G on the coding strand, the complement: DEAF1 is on the minus strand). VCF-style: chr11-653983-G-C. GRCh37 (hg19) VCF-style: chr11-653983-G-C.
Other names: c.1347C>G, p.Cys449Trp (NM_001293634.2); c.846C>G, p.Cys282Trp (NM_001367390.1); short protein forms C449W, C282W, C524W.
Identifiers: ClinVar variation 1438502 (VCV001438502.8), dbSNP rs1858920244, ClinGen allele CA379015888.

ClinVar aggregate classification (germline): Uncertain significance (1 of 4 stars; one submission).

Allele frequency attached by ClinVar (database versions not stated): TOPMed below 0.00001; gnomAD 0.00001; gnomAD exomes 0.00001.

Submission:

Labcorp Genetics (formerly Invitae), Labcorp
Classification: Uncertain significance. Last evaluated: 2021-06-22. Review status: criteria provided, single submitter. Criteria: Invitae Variant Classification Sherloc (09022015). Collection method: clinical testing. Allele origin: germline.
Comment: This variant has not been reported in the literature in individuals with DEAF1-related conditions. This variant is not present in population databases (ExAC no frequency). This sequence change replaces cysteine with tryptophan at codon 524 of the DEAF1 protein (p.Cys524Trp). The cysteine residue is highly conserved and there is a large physicochemical difference between cysteine and tryptophan. Advanced modeling of protein sequence and biophysical properties (such as structural, functional, and spatial information, amino acid conservation, physicochemical variation, residue mobility, and thermodynamic stability) performed at Invitae indicates that this missense variant is expected to disrupt DEAF1 protein function. In summary, the available evidence is currently insufficient to determine the role of this variant in disease. Therefore, it has been classified as a Variant of Uncertain Significance.